The following is an entry in ClinVar:

ClinVar aggregate classification (germline): Conflicting classifications of pathogenicity. Review status: criteria provided, conflicting classifications (1 of 4 stars). 11 submissions from 11 submitters: Uncertain significance (9); Likely benign (1). 1 of the submissions does not count toward it. Last evaluated 2026-02-01.

Conditions:
Werner syndrome (WRN). Identifiers: Orphanet 902, MedGen C0043119, MONDO:0010196, OMIM 277700.

Allele frequency attached by ClinVar (database versions not stated): gnomAD exomes 0.00046 and 0.00044; ESP Exome Variant Server 0.00031; gnomAD 0.00026; TOPMed 0.00026; ExAC 0.00057.
gnomAD v4.1: 703 of 1,613,896 alleles (0.044%); highest among the groups gnomAD compares: South Asian, 0.054%; no homozygotes.

Submissions (11):

Labcorp Genetics (formerly Invitae), Labcorp
Classification: Likely benign for Werner syndrome. Last evaluated: 2026-02-01. Review status: criteria provided, single submitter. Criteria: Invitae Variant Classification Sherloc (09022015). Collection method: clinical testing. Allele origin: germline.

Dasa
Classification: Uncertain significance. Last evaluated: 2026-01-19. Review status: criteria provided, single submitter. Criteria: DASA Assertion Criteria. Collection method: clinical testing. Allele origin: germline.
Comment: NM_000553.6(WRN):c.2986G>A (p.Asp996Asn) is a missense variant that results in the substitution of aspartic acid with asparagine. This variant is rare in population databases. Computational prediction algorithms are consistent with a benign effect. The currently available literature and clinical evidence are not sufficient to establish a definitive association between this variant and the reported condition. Therefore, this variant is classified as a variant of uncertain significance.

Center for Genomic Medicine, Rigshospitalet, Copenhagen University Hospital
Classification: Uncertain significance. Last evaluated: 2025-03-04. Review status: criteria provided, single submitter. Criteria: ACMG Guidelines, 2015. Collection method: clinical testing. Allele origin: germline.

Mayo Clinic Laboratories, Mayo Clinic
Classification: Uncertain significance. Last evaluated: 2025-02-28. Review status: criteria provided, single submitter. Criteria: ACMG Guidelines, 2015. Collection method: clinical testing. Allele origin: germline. Observed: 1 variant allele.
Comment: BP4_moderate

GeneDx
Classification: Uncertain significance. Last evaluated: 2024-10-07. Review status: criteria provided, single submitter. Criteria: GeneDx Variant Classification Process June 2021. Collection method: clinical testing. Allele origin: germline. Affected: yes.
Comment: In silico analysis supports that this missense variant has a deleterious effect on protein structure/function; Has not been previously published as pathogenic or benign to our knowledge

Fulgent Genetics
Classification: Uncertain significance for Werner syndrome. Last evaluated: 2022-03-03. Review status: criteria provided, single submitter. Criteria: ACMG Guidelines, 2015. Collection method: clinical testing. Allele origin: unknown.

Institute for Clinical Genetics, University Hospital TU Dresden, University Hospital TU Dresden
Classification: Uncertain significance. Last evaluated: 2021-11-03. Review status: criteria provided, single submitter. Criteria: ACMG Guidelines, 2015. Collection method: clinical testing. Allele origin: germline.

Centre for Mendelian Genomics, University Medical Centre Ljubljana
Classification: Uncertain significance for Werner syndrome. Last evaluated: 2018-11-04. Review status: criteria provided, single submitter. Criteria: ACMG Guidelines, 2015. Collection method: clinical testing. Allele origin: unknown. Affected: yes.
Comment: This variant was classified as: Uncertain significance. The available evidence on this variant's pathogenicity is insufficient or conflicting. The following ACMG criteria were applied in classifying this variant: No criteria apply.

Illumina Laboratory Services, Illumina
Classification: Uncertain significance for Werner syndrome. Last evaluated: 2018-01-12. Review status: criteria provided, single submitter. Criteria: ICSL Variant Classification Criteria 13 December 2019. Collection method: clinical testing. Allele origin: germline.

Eurofins Ntd Llc (ga)
Classification: Uncertain significance. Last evaluated: 2017-01-11. Review status: criteria provided, single submitter. Criteria: EGL Classification Definitions 2015. Collection method: clinical testing. Allele origin: germline. Observed: 1 variant allele, 1 heterozygote.

ITMI
No classification provided. Condition: AllHighlyPenetrant. Last evaluated: 2013-09-19. Review status: no classification provided. Collection method: reference population. Allele origin: germline. Not counted in ClinVar's aggregate classification.
Comment: Please see associated publication for description of ethnicities

Literature cited by the submitters: PubMed 34164337 (cited by Center for Genomic Medicine, Rigshospitalet, Copenhagen University Hospital); PubMed 35085295 (cited by Center for Genomic Medicine, Rigshospitalet, Copenhagen University Hospital); PubMed 29668499 (cited by Center for Genomic Medicine, Rigshospitalet, Copenhagen University Hospital); PubMed 24728327 (cited by ITMI).

NM_000553.6(WRN):c.2986G>A (p.Asp996Asn)

Gene: WRN (WRN RecQ like helicase; plus strand). Cytogenetic location: 8p12.
Variant type: single nucleotide variant.
Coding change: c.2986G>A on transcript NM_000553.6 (MANE Select); coding-DNA position 2986, G replaced by A.
Protein change: p.Asp996Asn; replaces aspartic acid 996 with asparagine.
Molecular consequence: missense variant.
Genome position (GRCh38, 1-based): chr8:31,141,448, G>A. VCF-style: chr8-31141448-G-A. GRCh37 (hg19) VCF-style: chr8-30998964-G-A.
Other names: p.Asp996Asn; short protein forms D996N.
Identifiers: ClinVar variation 135429 (VCV000135429.28), dbSNP rs138379977, ClinGen allele CA162737.